The following is an entry in ClinVar:

NM_001190274.2(FBXO11):c.801+1G>A

Gene: FBXO11 (F-box protein 11; minus strand). Cytogenetic location: 2p16.3.
Variant type: single nucleotide variant.
Coding change: c.801+1G>A on transcript NM_001190274.2 (MANE Select); the canonical splice donor site of the intron after coding-DNA position 801, G replaced by A.
Molecular consequence: splice donor variant.
Genome position (GRCh38, 1-based): chr2:47,834,787, C>T on the plus strand (G>A on the coding strand, the complement: FBXO11 is on the minus strand). VCF-style: chr2-47834787-C-T. GRCh37 (hg19) VCF-style: chr2-48061926-C-T.
Other names: c.549+1G>A (NM_001374325.1, NM_025133.4).
Identifiers: ClinVar variation 4876777 (VCV004876777.1).

ClinVar aggregate classification (germline): Pathogenic (1 of 4 stars; one submission).

Conditions:
Intellectual developmental disorder with dysmorphic facies and behavioral abnormalities. Identifiers: MedGen C4748135, MONDO:0060760, OMIM 618089.

Submission:

Human Genetics Bochum, Ruhr University Bochum
Classification: Pathogenic for Intellectual developmental disorder with dysmorphic facies and behavioral abnormalities. Last evaluated: 2026-06-08. Review status: criteria provided, single submitter. Criteria: ACMG Guidelines, 2015. Collection method: clinical testing. Allele origin: germline. Affected: yes.
Comment: de novo; ACMG criteria used to clasify this variant: PVS1, PS2, PM2_SUP